The following is an entry in ClinVar:

ClinVar aggregate classification (germline): Uncertain significance. Review status: criteria provided, multiple submitters, no conflicts (2 of 4 stars). 2 submissions from 2 submitters: Uncertain significance (2). Last evaluated 2026-03-02.

Conditions:
Hereditary cancer-predisposing syndrome. Also called: Hereditary Cancer Syndrome; Neoplastic Syndromes, Hereditary; Tumor predisposition; Hereditary neoplastic syndrome. Identifiers: Orphanet 140162, MedGen C0027672, MeSH D009386, MONDO:0015356.
Tuberous sclerosis 2 (TSC2). Identifiers: Orphanet 805, MedGen C1860707, MONDO:0013199, OMIM 613254.

Submissions (2):

Ambry Genetics
Classification: Uncertain significance for Hereditary cancer-predisposing syndrome. Last evaluated: 2026-03-02. Review status: criteria provided, single submitter. Criteria: Ambry Variant Classification Scheme 2023. Collection method: clinical testing. Allele origin: germline.
Comment: The p.A935S variant (also known as c.2803G>T), located in coding exon 24 of the TSC2 gene, results from a G to T substitution at nucleotide position 2803. The alanine at codon 935 is replaced by serine, an amino acid with similar properties. This amino acid position is highly conserved in available vertebrate species. In addition, the in silico prediction for this alteration is inconclusive. Based on the available evidence, the clinical significance of this variant remains unclear.

Labcorp Genetics (formerly Invitae), Labcorp
Classification: Uncertain significance for Tuberous sclerosis 2. Last evaluated: 2024-05-09. Review status: criteria provided, single submitter. Criteria: Invitae Variant Classification Sherloc (09022015). Collection method: clinical testing. Allele origin: germline.
Comment: This sequence change replaces alanine, which is neutral and non-polar, with serine, which is neutral and polar, at codon 935 of the TSC2 protein (p.Ala935Ser). This variant is not present in population databases (gnomAD no frequency). This variant has not been reported in the literature in individuals affected with TSC2-related conditions. ClinVar contains an entry for this variant (Variation ID: 1019623). Advanced modeling of protein sequence and biophysical properties (such as structural, functional, and spatial information, amino acid conservation, physicochemical variation, residue mobility, and thermodynamic stability) performed at Invitae indicates that this missense variant is not expected to disrupt TSC2 protein function with a negative predictive value of 95%. In summary, the available evidence is currently insufficient to determine the role of this variant in disease. Therefore, it has been classified as a Variant of Uncertain Significance.

NM_000548.5(TSC2):c.2803G>T (p.Ala935Ser)

Gene: TSC2 (TSC complex subunit 2; plus strand). Cytogenetic location: 16p13.3.
Variant type: single nucleotide variant.
Coding change: c.2803G>T on transcript NM_000548.5 (MANE Select); coding-DNA position 2803, G replaced by T.
Protein change: p.Ala935Ser; replaces alanine 935 with serine.
Molecular consequence: missense variant.
Genome position (GRCh38, 1-based): chr16:2,076,551, G>T. VCF-style: chr16-2076551-G-T. GRCh37 (hg19) VCF-style: chr16-2126552-G-T.
Other names: c.2803G>T, p.Ala935Ser (NM_001077183.3, NM_001114382.3, NM_001363528.2 and 3 more transcripts); c.2692G>T, p.Ala898Ser (NM_001318827.2); c.2656G>T, p.Ala886Ser (NM_001318829.2); c.2203G>T, p.Ala735Ser (NM_001318831.2); c.2836G>T, p.Ala946Ser (NM_001318832.2); c.2803G>T (NM_000548.3); short protein forms A735S, A886S, A898S, A935S, A946S.
Identifiers: ClinVar variation 1019623 (VCV001019623.9), dbSNP rs979456797, ClinGen allele CA394280091.